The following is an entry in ClinVar:

NM_006918.5(SC5D):c.343+3A>G

Gene: SC5D (sterol-C5-desaturase; plus strand). Cytogenetic location: 11q24.1.
Variant type: single nucleotide variant.
Coding change: c.343+3A>G on transcript NM_006918.5 (MANE Select); 3 bases into the intron after coding-DNA position 343, A replaced by G.
Molecular consequence: intron variant.
Genome position (GRCh38, 1-based): chr11:121,304,496, A>G. VCF-style: chr11-121304496-A-G. GRCh37 (hg19) VCF-style: chr11-121175205-A-G.
Other names: c.343+3A>G (NM_001024956.3).
Identifiers: ClinVar variation 303052 (VCV000303052.15), dbSNP rs186378511, ClinGen allele CA6328094.

ClinVar aggregate classification (germline): Likely benign. Review status: criteria provided, multiple submitters, no conflicts (2 of 4 stars). 3 submissions from 3 submitters: Likely benign (3). Last evaluated 2026-02-01.

Conditions:
Lathosterolosis. Also called: SC5D DEFICIENCY; STEROL C5-DESATURASE DEFICIENCY. Identifiers: Orphanet 46059, MedGen C1846421, MONDO:0011816, OMIM 607330.

Allele frequency attached by ClinVar (database versions not stated): gnomAD 0.00015 and 0.00021; gnomAD exomes 0.00015 and 0.00049; TOPMed 0.00025; ExAC 0.00045; 1000 Genomes Project 0.00100; 1000 Genomes Project 30x 0.00109.
gnomAD v4.1: 255 of 1,613,398 alleles (0.016%); highest among the groups gnomAD compares: East Asian, 0.49%; 3 homozygotes.

Submissions (3):

Labcorp Genetics (formerly Invitae), Labcorp
Classification: Likely benign. Last evaluated: 2026-02-01. Review status: criteria provided, single submitter. Criteria: Invitae Variant Classification Sherloc (09022015). Collection method: clinical testing. Allele origin: germline.

Laboratory of Genetics, Children's Clinical University Hospital Latvia
Classification: Likely benign. Last evaluated: 2025-02-16. Review status: criteria provided, single submitter. Criteria: ACMG Guidelines, 2015. Collection method: clinical testing. Allele origin: germline. Affected: yes.

Illumina Laboratory Services, Illumina
Classification: Likely benign for Lathosterolosis. Last evaluated: 2018-01-12. Review status: criteria provided, single submitter. Criteria: ICSL Variant Classification Criteria 13 December 2019. Collection method: clinical testing. Allele origin: germline.
Comment: This variant was observed in the ICSL laboratory as part of a predisposition screen in an ostensibly healthy population. It had not been previously curated by ICSL or reported in the Human Gene Mutation Database (HGMD: prior to June 1st, 2018), and was therefore a candidate for classification through an automated scoring system. Utilizing variant allele frequency, disease prevalence and penetrance estimates, and inheritance mode, an automated score was calculated to assess if this variant is too frequent to cause the disease. Based on the score and internal cut-off values, a variant classified as likely benign is not then subjected to further curation. The score for this variant resulted in a classification of likely benign for this disease.